The following is an entry in ClinVar:

ClinVar aggregate classification (germline): Uncertain significance (1 of 4 stars; one submission).

Submissions (2):

GeneDx
Classification: Uncertain significance. Last evaluated: 2025-06-02. Review status: criteria provided, single submitter. Criteria: GeneDx Variant Classification Process June 2021. Collection method: clinical testing. Allele origin: germline.
Comment: In silico analysis supports a deleterious effect on splicing; No data available from ethnically-matched control populations to assess the frequency of this variant; Has not been previously published as pathogenic or benign to our knowledge

Dr. Peter K. Rogan Lab, Western University
No classification provided (evidence only). Condition: Malignant tumor of esophagus. Review status: no classification provided. Collection method: in vitro. Allele origin: not applicable. Functional consequence: retained intron. Not counted in ClinVar's aggregate classification.

NM_014712.3(SETD1A):c.-16+2T>C

Gene: SETD1A (SET domain containing 1A, histone lysine methyltransferase; plus strand). Cytogenetic location: 16p11.2.
Variant type: single nucleotide variant.
Coding change: c.-16+2T>C on transcript NM_014712.3 (MANE Select); the canonical splice donor site of the intron after 16 bases upstream of the start codon, T replaced by C.
Molecular consequence: splice donor variant.
Genome position (GRCh38, 1-based): chr16:30,957,966, T>C. VCF-style: chr16-30957966-T-C. GRCh37 (hg19) VCF-style: chr16-30969287-T-C.
Other names: NC_000016.9:g.30969287T>C.
Identifiers: ClinVar variation 3777415 (VCV003777415.3).
Genomic context (GRCh38, chr16:30,957,966, plus strand): 5'-CGGCAGCGCCTGTGGCGAAAGTGCGAATGCAGACCCTGTGCCCGCTGGGCCTCGCGCAGG[T>C]GGCAGTGGTGTTTGGTGCGCGCGCCGGGGAGGTGGTGGTGGGGGGGCGCCGCCGCCGCCA-3'